The following is an entry in ClinVar:

ClinVar aggregate classification (germline): Uncertain significance (1 of 4 stars; one submission).

Conditions:
Hereditary hyperekplexia. Identifiers: Orphanet 3197, MedGen C4084968, MONDO:0021022.

Allele frequency attached by ClinVar (database versions not stated): gnomAD exomes below 0.00001; ExAC 0.00001.
gnomAD v4.1: 1 of 1,601,014 alleles (0.000062%); highest among the groups gnomAD compares: South Asian, 0.0011%; no homozygotes.

Submission:

Labcorp Genetics (formerly Invitae), Labcorp
Classification: Uncertain significance for Hereditary hyperekplexia. Last evaluated: 2022-08-01. Review status: criteria provided, single submitter. Criteria: Invitae Variant Classification Sherloc (09022015). Collection method: clinical testing. Allele origin: germline.
Comment: This variant has not been reported in the literature in individuals affected with GLRA1-related conditions. This variant is present in population databases (rs757026949, gnomAD 0.003%). This sequence change replaces tyrosine, which is neutral and polar, with cysteine, which is neutral and slightly polar, at codon 2 of the GLRA1 protein (p.Tyr2Cys). Advanced modeling of protein sequence and biophysical properties (such as structural, functional, and spatial information, amino acid conservation, physicochemical variation, residue mobility, and thermodynamic stability) performed at Invitae indicates that this missense variant is not expected to disrupt GLRA1 protein function. In summary, the available evidence is currently insufficient to determine the role of this variant in disease. Therefore, it has been classified as a Variant of Uncertain Significance.

NM_000171.4(GLRA1):c.5A>G (p.Tyr2Cys)

Gene: GLRA1 (glycine receptor alpha 1; minus strand). Cytogenetic location: 5q33.1.
Variant type: single nucleotide variant.
Coding change: c.5A>G on transcript NM_000171.4 (MANE Select); coding-DNA position 5, A replaced by G.
Protein change: p.Tyr2Cys; replaces tyrosine 2 with cysteine.
Molecular consequence: missense variant. On other transcripts: 5 prime UTR variant (1).
Genome position (GRCh38, 1-based): chr5:151,924,545, T>C on the plus strand (A>G on the coding strand, the complement: GLRA1 is on the minus strand). VCF-style: chr5-151924545-T-C. GRCh37 (hg19) VCF-style: chr5-151304106-T-C.
Other names: c.5A>G, p.Tyr2Cys (NM_001146040.2); c.-117A>G (NM_001292000.2); short protein forms Y2C.
Identifiers: ClinVar variation 1999450 (VCV001999450.4), dbSNP rs757026949, ClinGen allele CA3523818.